The following is an entry in ClinVar:

NM_000359.3(TGM1):c.1491G>A (p.Glu497=)

Gene: TGM1 (transglutaminase 1; minus strand). Cytogenetic location: 14q12.
Variant type: single nucleotide variant.
Coding change: c.1491G>A on transcript NM_000359.3 (MANE Select); coding-DNA position 1491, G replaced by A.
Protein change: p.Glu497=; no amino-acid change (glutamic acid 497 retained).
Molecular consequence: synonymous variant.
Genome position (GRCh38, 1-based): chr14:24,255,989, C>T on the plus strand (G>A on the coding strand, the complement: TGM1 is on the minus strand). VCF-style: chr14-24255989-C-T. GRCh37 (hg19) VCF-style: chr14-24725195-C-T.
Identifiers: ClinVar variation 633788 (VCV000633788.5), dbSNP rs1199404507, ClinGen allele CA485663598.

ClinVar aggregate classification (germline): Conflicting classifications of pathogenicity. Review status: criteria provided, conflicting classifications (1 of 4 stars). 3 submissions from 3 submitters: Pathogenic (1); Likely pathogenic (1); Uncertain significance (1). Last evaluated 2023-01-26.

Conditions:
Autosomal recessive congenital ichthyosis 1 (LI1). Also called: COLLODION FETUS; DESQUAMATION OF NEWBORN; ICHTHYOSIS CONGENITA; ICHTHYOSIS CONGENITA II; LAMELLAR EXFOLIATION OF NEWBORN; ICHTHYOSIS, CONGENITAL, AUTOSOMAL RECESSIVE 1, WITH BATHING SUIT DISTRIBUTION. Identifiers: MedGen C4551630, MONDO:0009441, OMIM 242300.

Submissions (3):

Labcorp Genetics (formerly Invitae), Labcorp
Classification: Pathogenic. Last evaluated: 2023-01-26. Review status: criteria provided, single submitter. Criteria: Invitae Variant Classification Sherloc (09022015). Collection method: clinical testing. Allele origin: germline.
Comment: This variant is not present in population databases (gnomAD no frequency). For these reasons, this variant has been classified as Pathogenic. Variants that disrupt the consensus splice site are a relatively common cause of aberrant splicing (PMID: 17576681, 9536098). Studies have shown that this variant is associated with altered splicing resulting in partial deletion of exon 10 and inclusion of intron 10 (PMID: 30578701). ClinVar contains an entry for this variant (Variation ID: 633788). This variant has been observed in individual(s) with congenital ichthyosis (PMID: 30578701). This sequence change affects codon 497 of the TGM1 mRNA. It is a 'silent' change, meaning that it does not change the encoded amino acid sequence of the TGM1 protein. This variant also falls at the last nucleotide of exon 10, which is part of the consensus splice site for this exon.

Uitto Lab, Thomas Jefferson University
Classification: Uncertain significance for Congenita IIs, Ichthyosis. Last evaluated: 2018-06-08. Review status: criteria provided, single submitter. Criteria: ACMG Guidelines, 2015. Collection method: clinical testing. Allele origin: germline. Affected: yes. Study: Rare heritable connective tissue and skin disorders in Iranian cohort.

Kariminejad - Najmabadi Pathology & Genetics Center
Classification: Likely pathogenic for Autosomal recessive congenital ichthyosis 1. Review status: criteria provided, single submitter. Criteria: ACMG Guidelines, 2015. Collection method: clinical testing. Allele origin: germline. Affected: no.

Literature cited by the submitters: PubMed 17576681 (cited by Labcorp Genetics (formerly Invitae), Labcorp); PubMed 9536098 (cited by Labcorp Genetics (formerly Invitae), Labcorp); PubMed 30578701 (cited by Labcorp Genetics (formerly Invitae), Labcorp).